The following is an entry in ClinVar:

ClinVar aggregate classification (germline): Uncertain significance (1 of 4 stars; one submission).

Conditions:
Gorlin syndrome. Also called: Basal cell nevus syndrome; Nevoid Basal Cell Carcinoma Syndrome. Identifiers: Orphanet 377, MedGen C0004779, MONDO:0007187.

Submission:

Labcorp Genetics (formerly Invitae), Labcorp
Classification: Uncertain significance for Gorlin syndrome. Last evaluated: 2023-07-25. Review status: criteria provided, single submitter. Criteria: Invitae Variant Classification Sherloc (09022015). Collection method: clinical testing. Allele origin: germline.
Comment: In summary, the available evidence is currently insufficient to determine the role of this variant in disease. Therefore, it has been classified as a Variant of Uncertain Significance. Advanced modeling of protein sequence and biophysical properties (such as structural, functional, and spatial information, amino acid conservation, physicochemical variation, residue mobility, and thermodynamic stability) performed at Invitae indicates that this missense variant is expected to disrupt PTCH2 protein function. This variant has not been reported in the literature in individuals affected with PTCH2-related conditions. This variant is not present in population databases (gnomAD no frequency). This sequence change replaces proline, which is neutral and non-polar, with histidine, which is basic and polar, at codon 460 of the PTCH2 protein (p.Pro460His).

NM_003738.5(PTCH2):c.1379C>A (p.Pro460His)

Gene: PTCH2 (patched 2; minus strand). Cytogenetic location: 1p34.1.
Variant type: single nucleotide variant.
Coding change: c.1379C>A on transcript NM_003738.5 (MANE Select); coding-DNA position 1379, C replaced by A.
Protein change: p.Pro460His; replaces proline 460 with histidine.
Molecular consequence: missense variant.
Genome position (GRCh38, 1-based): chr1:44,829,067, G>T on the plus strand (C>A on the coding strand, the complement: PTCH2 is on the minus strand). VCF-style: chr1-44829067-G-T. GRCh37 (hg19) VCF-style: chr1-45294739-G-T.
Other names: c.1379C>A, p.Pro460His (NM_001166292.2); short protein forms P460H.
Identifiers: ClinVar variation 2746484 (VCV002746484.3), dbSNP rs1197744916, ClinGen allele CA340102723.